The following is an entry in ClinVar:

NM_033026.6(PCLO):c.11642C>T (p.Pro3881Leu)

Gene: PCLO (piccolo presynaptic cytomatrix protein; minus strand). Cytogenetic location: 7q21.11.
Variant type: single nucleotide variant.
Coding change: c.11642C>T on transcript NM_033026.6 (MANE Select); coding-DNA position 11642, C replaced by T.
Protein change: p.Pro3881Leu; replaces proline 3881 with leucine.
Molecular consequence: missense variant.
Genome position (GRCh38, 1-based): chr7:82,916,344, G>A on the plus strand (C>T on the coding strand, the complement: PCLO is on the minus strand). VCF-style: chr7-82916344-G-A. GRCh37 (hg19) VCF-style: chr7-82545660-G-A.
Other names: c.11642C>T, p.Pro3881Leu (NM_014510.3); short protein forms P3881L.
Identifiers: ClinVar variation 1474190 (VCV001474190.6), dbSNP rs755774689, ClinGen allele CA4319530.

ClinVar aggregate classification (germline): Uncertain significance (1 of 4 stars; one submission).

Allele frequency attached by ClinVar (database versions not stated): gnomAD 0.00001; gnomAD exomes 0.00002 and 0.00004; ExAC 0.00003; TOPMed 0.00003.
gnomAD v4.1: 11 of 1,613,658 alleles (0.00068%); highest among the groups gnomAD compares: East Asian, 0.0089%; no homozygotes.

Submission:

Labcorp Genetics (formerly Invitae), Labcorp
Classification: Uncertain significance. Last evaluated: 2021-03-15. Review status: criteria provided, single submitter. Criteria: Invitae Variant Classification Sherloc (09022015). Collection method: clinical testing. Allele origin: germline.
Comment: In summary, the available evidence is currently insufficient to determine the role of this variant in disease. Therefore, it has been classified as a Variant of Uncertain Significance. Algorithms developed to predict the effect of missense changes on protein structure and function are either unavailable or do not agree on the potential impact of this missense change (SIFT: "Tolerated"; PolyPhen-2: "Not Available"; Align-GVGD: "Class C0"). This variant has not been reported in the literature in individuals with PCLO-related conditions. This variant is present in population databases (rs755774689, ExAC 0.03%). This sequence change replaces proline with leucine at codon 3881 of the PCLO protein (p.Pro3881Leu). The proline residue is moderately conserved and there is a moderate physicochemical difference between proline and leucine.